The following is an entry in ClinVar:

ClinVar aggregate classification (germline): Conflicting classifications of pathogenicity. Review status: criteria provided, conflicting classifications (1 of 4 stars). 12 submissions from 12 submitters: Uncertain significance (10); Likely benign (2). Last evaluated 2026-07-16.

Conditions:
CHEK2-related disorder.
Hereditary cancer-predisposing syndrome. Also called: Neoplastic Syndromes, Hereditary; Tumor predisposition; Hereditary Cancer Syndrome; Hereditary neoplastic syndrome. Identifiers: Orphanet 140162, MedGen C0027672, MeSH D009386, MONDO:0015356.
Familial cancer of breast. Also called: hereditary breast carcinoma; Hereditary breast cancer; BREAST CANCER, FAMILIAL. Identifiers: Orphanet 227535, MedGen C0346153, MONDO:0016419, OMIM 114480. Disease mechanism: loss of function.

Allele frequency attached by ClinVar (database versions not stated): TOPMed 0.00002.
gnomAD v4.1: 57 of 1,595,820 alleles (0.0036%); highest among the groups gnomAD compares: Non-Finnish European, 0.0045%; no homozygotes.

Submissions (12):

PreventionGenetics, part of Exact Sciences
Classification: Uncertain significance for CHEK2-related condition. Last evaluated: 2026-07-16. Review status: criteria provided, single submitter. Criteria: ACMG Guidelines, 2015. Collection method: clinical testing. Allele origin: germline.
Comment: The CHEK2 c.1556G>A variant is predicted to result in the amino acid substitution p.Arg519Gln. This variant has been reported in individuals with colorectal cancer (Yurgelun et al. 2017. PubMed ID: 28135145) and breast cancer (Tung et al. 2015. PubMed ID: 25186627; Hauke et al. 2018. PubMed ID: 29522266). This variant is reported in 0.0065% of alleles in individuals of European (Non-Finnish) descent in gnomAD and has conflicting interpretations in ClinVar ranging from likely benign to uncertain (Variation ID: 128065). At this time, the clinical significance of this variant is uncertain due to the absence of conclusive functional and genetic evidence.

Labcorp Genetics (formerly Invitae), Labcorp
Classification: Uncertain significance for Familial cancer of breast. Last evaluated: 2026-01-18. Review status: criteria provided, single submitter. Criteria: Invitae Variant Classification Sherloc (09022015). Collection method: clinical testing. Allele origin: germline.
Comment: This sequence change replaces arginine, which is basic and polar, with glutamine, which is neutral and polar, at codon 519 of the CHEK2 protein (p.Arg519Gln). The frequency data for this variant in the population databases is considered unreliable, as metrics indicate poor data quality at this position in the gnomAD database. This missense change has been observed in individual(s) with breast cancer and/or colorectal cancer (PMID: 25186627, 28135145, 29522266). ClinVar contains an entry for this variant (Variation ID: 128065). An algorithm developed to predict the effect of missense changes on protein structure and function outputs the following: PolyPhen-2: "Benign". The glutamine amino acid residue is found in multiple mammalian species, which suggests that this missense change does not adversely affect protein function. Experimental studies are conflicting or provide insufficient evidence to determine the effect of this variant on CHEK2 function (PMID: 30851065, 37449874). In summary, the available evidence is currently insufficient to determine the role of this variant in disease. Therefore, it has been classified as a Variant of Uncertain Significance.

GeneDx
Classification: Uncertain significance. Last evaluated: 2025-04-07. Review status: criteria provided, single submitter. Criteria: GeneDx Variant Classification Process June 2021. Collection method: clinical testing. Allele origin: germline. Affected: yes.
Comment: Observed in individuals with breast and colorectal cancer (PMID: 25186627, 28135145, 29522266, 37449874); In silico analysis indicates that this missense variant does not alter protein structure/function; Not observed at significant frequency in large population cohorts (gnomAD); This variant is associated with the following publications: (PMID: 24879340, 28135145, 29872864, 25186627, 29522266, 22419737, 37449874, 30851065)

Quest Diagnostics Nichols Institute San Juan Capistrano
Classification: Uncertain significance. Last evaluated: 2025-03-13. Review status: criteria provided, single submitter. Criteria: Quest Diagnostics criteria. Collection method: clinical testing. Allele origin: unknown.
Comment: The CHEK2 c.1556G>A (p.Arg519Gln) variant has been reported in the published literature in individuals with colorectal cancer (PMID: 28135145 (2017)) and breast cancer (PMID: 25186627 (2015), 29522266 (2018), 33471991 (2021), see also LOVD). This variant has also been identified in reportedly healthy individuals (PMID: 28779002 (2017), 33471991 (2021), see also LOVD). Assessment of experimental evidence regarding the effect of this variant on protein function is inconclusive (PMID: 30851065 (2019), 37449874 (2023)). The frequency of this variant in the general population (Genome Aggregation Database) is uninformative in the assessment of its pathogenicity. Analysis of this variant using bioinformatics tools for the prediction of the effect of amino acid changes on protein structure and function yielded predictions that this variant is benign. Based on the available information, we are unable to determine the clinical significance of this variant.

Color Diagnostics, LLC DBA Color Health
Classification: Uncertain significance for Hereditary cancer-predisposing syndrome. Last evaluated: 2025-01-07. Review status: criteria provided, single submitter. Criteria: ACMG Guidelines, 2015. Collection method: clinical testing. Allele origin: germline.
Comment: This missense variant replaces arginine with glutamine at codon 519 of the CHEK2 protein. Computational prediction tool suggests that this variant may not impact protein structure and function. A functional study has reported this variant to cause partial loss of CHEK2 function in yeast complementation assay (PMID: 30851065) but behaved like wild type in kinase assays (PMID: 37449874). This variant has been reported in individuals affected with breast or colorectal cancer (PMID: 25186627, 28135145, 28779002, 33471991) and in a family suspected of having hereditary breast and ovarian cancer syndrome (PMID: 29522266). The variant has also been observed in unaffected individuals (PMID: 33471991). This variant has been identified in 7/233042 chromosomes in the general population by the Genome Aggregation Database (gnomAD). The available evidence is insufficient to determine the role of this variant in disease conclusively. Therefore, this variant is classified as a Variant of Uncertain Significance.

Ambry Genetics
Classification: Likely benign for Hereditary cancer-predisposing syndrome. Last evaluated: 2024-10-28. Review status: criteria provided, single submitter. Criteria: Ambry Variant Classification Scheme 2023. Collection method: clinical testing. Allele origin: germline.

Myriad Genetics, Inc.
Classification: Likely benign for Familial cancer of breast. Last evaluated: 2024-10-08. Review status: criteria provided, single submitter. Criteria: Myriad Autosomal Dominant, Autosomal Recessive and X-Linked Classification Criteria (2023). Collection method: clinical testing. Allele origin: unknown.
Comment: This variant is considered likely benign. This variant is strongly associated with less severe personal and family histories of cancer, typical for individuals without pathogenic variants in this gene [PMID: 25085752].

Molecular Pathology, Peter Maccallum Cancer Centre
Classification: Uncertain significance for Familial cancer of breast. Last evaluated: 2024-06-20. Review status: criteria provided, single submitter. Criteria: ACMG Guidelines, 2015. Collection method: clinical testing. Allele origin: germline. Inheritance: Autosomal dominant inheritance.

Women's Health and Genetics/Laboratory Corporation of America, LabCorp
Classification: Uncertain significance. Last evaluated: 2024-05-01. Review status: criteria provided, single submitter. Criteria: LabCorp Variant Classification Summary - May 2015. Collection method: clinical testing. Allele origin: germline.
Comment: Variant summary: CHEK2 c.1556G>A (p.Arg519Gln) results in a conservative amino acid change in the encoded protein sequence. Four of five in-silico tools predict a benign effect of the variant on protein function. The variant allele was found at a frequency of 3.6e-05 in 1595820 control chromosomes. This frequency is not significantly higher than estimated for a pathogenic variant in CHEK2 causing Hereditary Breast And Ovarian Cancer Syndrome (3.6e-05 vs 0.00031), allowing no conclusion about variant significance. The variant, c.1556G>A, has been reported in the literature as a VUS in settings of multigene panel testing among individuals affected with breast and colorectal cancers, as well as in healthy controls (e.g. Tung_2015, Yurgelun_2017, Stolarova_2023). These reports do not provide unequivocal conclusions about association of the variant with Hereditary Breast And Ovarian Cancer Syndrome. A yeast-based functional assay found that the variant had an intermediate effect on protein function based on the ability to repair DNA after chemically induced damage (Delimitsou_2019). However, CHEK2-complementation assays performed in human RPE1 CHEK2-knockout cells showed the variant had enzymatic activity comparable to WT (e.g. Stolarova_2023). The following publications have been ascertained in the context of this evaluation (PMID: 25186627, 28135145, 30851065, 37449874). ClinVar contains an entry for this variant (Variation ID: 128065). Based on the conflicting evidence outlined above, the variant was classified as uncertain significance.

Baylor Genetics
Classification: Uncertain significance for Familial cancer of breast. Last evaluated: 2024-02-04. Review status: criteria provided, single submitter. Criteria: ACMG Guidelines, 2015. Collection method: clinical testing. Allele origin: unknown.

Revvity Omics, Revvity
Classification: Uncertain significance. Last evaluated: 2019-05-13. Review status: criteria provided, single submitter. Criteria: ACMG Guidelines, 2015. Collection method: clinical testing. Allele origin: germline.

Division of Medical Genetics, University of Washington
Classification: Uncertain significance for Familial cancer of breast. Last evaluated: 2019-02-01. Review status: criteria provided, single submitter. Criteria: ACMG Guidelines, 2015. Collection method: clinical testing. Allele origin: germline. Affected: no. Study: CSER_CHARM.
Comment: To our knowledge, this sequence variant has not been previously reported in the literature in individuals with cancer. This variant has an overall allele frequency of 0.0002 in the Broad Institute ExAC Browser. Thus, it is unknown at this time whether this variant increases cancer risk.

Literature cited by the submitters: PubMed 25186627 (cited by 5 submitters); PubMed 28135145 (cited by 5 submitters); PubMed 29522266 (cited by 4 submitters); PubMed 30851065 (cited by 5 submitters); PubMed 37449874 (cited by 5 submitters); PubMed 24879340 (cited by Quest Diagnostics Nichols Institute San Juan Capistrano); PubMed 33471991 (cited by Quest Diagnostics Nichols Institute San Juan Capistrano and Color Diagnostics, LLC DBA Color Health); PubMed 28779002 (cited by 3 submitters); PubMed 25085752 (cited by Myriad Genetics, Inc.).

NM_007194.4(CHEK2):c.1556G>A (p.Arg519Gln)

Gene: CHEK2 (checkpoint kinase 2; minus strand). Cytogenetic location: 22q12.1.
Variant type: single nucleotide variant.
Coding change: c.1556G>A on transcript NM_007194.4 (MANE Select); coding-DNA position 1556, G replaced by A.
Protein change: p.Arg519Gln; replaces arginine 519 with glutamine.
Molecular consequence: missense variant.
Genome position (GRCh38, 1-based): chr22:28,687,973, C>T on the plus strand (G>A on the coding strand, the complement: CHEK2 is on the minus strand). VCF-style: chr22-28687973-C-T. GRCh37 (hg19) VCF-style: chr22-29083961-C-T.
Other names: p.R519Q:CGA>CAA; c.1685G>A, p.Arg562Gln (NM_001005735.3); c.893G>A, p.Arg298Gln (NM_001257387.3); c.1355G>A, p.Arg452Gln (NM_001349956.3); c.1469G>A, p.Arg490Gln (NM_145862.3); short protein forms R519Q, R562Q, R298Q, R490Q, R452Q.
Identifiers: ClinVar variation 128065 (VCV000128065.41), dbSNP rs587780180, ClinGen allele CA288292.